The following is an entry in ClinVar:

ClinVar aggregate classification (germline): Uncertain significance. Review status: criteria provided, multiple submitters, no conflicts (2 of 4 stars). 3 submissions from 3 submitters: Uncertain significance (2). 1 of the submissions does not count toward it. Last evaluated 2024-10-17.

Conditions:
RPGRIP1L-related disorder. Also called: RPGRIP1L-related disorders; RPGRIP1L-related condition. Identifiers: MedGen CN239416.
Meckel-Gruber syndrome. Also called: DYSENCEPHALIA SPLANCHNOCYSTICA; GRUBER SYNDROME; Dysencephalia splachnocystica. Identifiers: Orphanet 564, MedGen C0265215, MONDO:0018921.
Joubert syndrome. Also called: Familial aplasia of the vermis; JOUBERT-BOLTSHAUSER SYNDROME. Identifiers: Orphanet 475, MedGen C5979921, MONDO:0018772.

Allele frequency attached by ClinVar (database versions not stated): gnomAD 0.00001; TOPMed 0.00001; 1000 Genomes Project 30x 0.00016; 1000 Genomes Project 0.00020.
gnomAD v4.1: 3 of 1,614,056 alleles (0.00019%); highest among the groups gnomAD compares: Non-Finnish European, 0.00025%; no homozygotes.

Submissions (3):

Blueprint Genetics
Classification: Uncertain significance. Last evaluated: 2024-10-17. Review status: criteria provided, single submitter. Criteria: ACMG Guidelines, 2015. Collection method: clinical testing. Allele origin: germline.

Labcorp Genetics (formerly Invitae), Labcorp
Classification: Uncertain significance for Joubert syndrome; Meckel-Gruber syndrome. Last evaluated: 2022-08-16. Review status: criteria provided, single submitter. Criteria: Invitae Variant Classification Sherloc (09022015). Collection method: clinical testing. Allele origin: germline.
Comment: This sequence change replaces serine, which is neutral and polar, with asparagine, which is neutral and polar, at codon 924 of the RPGRIP1L protein (p.Ser924Asn). This variant is not present in population databases (gnomAD no frequency). This variant has not been reported in the literature in individuals affected with RPGRIP1L-related conditions. ClinVar contains an entry for this variant (Variation ID: 1429708). Algorithms developed to predict the effect of missense changes on protein structure and function (SIFT, PolyPhen-2, Align-GVGD) all suggest that this variant is likely to be tolerated. In summary, the available evidence is currently insufficient to determine the role of this variant in disease. Therefore, it has been classified as a Variant of Uncertain Significance.

PreventionGenetics, part of Exact Sciences
Classification: Uncertain significance for RPGRIP1L-related condition. Last evaluated: 2024-01-30. Review status: no assertion criteria provided. Collection method: clinical testing. Allele origin: germline. Not counted in ClinVar's aggregate classification.
Comment: The RPGRIP1L c.2771G>A variant is predicted to result in the amino acid substitution p.Ser924Asn. To our knowledge, this variant has not been reported in the literature or in a large population database, indicating this variant is rare. At this time, the clinical significance of this variant is uncertain due to the absence of conclusive functional and genetic evidence.

NM_015272.5(RPGRIP1L):c.2771G>A (p.Ser924Asn)

Gene: RPGRIP1L (RPGRIP1 like; minus strand). Cytogenetic location: 16q12.2.
Variant type: single nucleotide variant.
Coding change: c.2771G>A on transcript NM_015272.5 (MANE Select); coding-DNA position 2771, G replaced by A.
Protein change: p.Ser924Asn; replaces serine 924 with asparagine.
Molecular consequence: missense variant.
Genome position (GRCh38, 1-based): chr16:53,641,388, C>T on the plus strand (G>A on the coding strand, the complement: RPGRIP1L is on the minus strand). VCF-style: chr16-53641388-C-T. GRCh37 (hg19) VCF-style: chr16-53675300-C-T.
Other names: c.2771G>A (NM_015272.4); c.2771G>A, p.Ser924Asn (NM_001127897.4, NM_001308334.3, NM_001330538.2); short protein forms S924N.
Identifiers: ClinVar variation 1429708 (VCV001429708.6), dbSNP rs142234650, ClinGen allele CA281372412.